The following is an entry in ClinVar:

NM_001370259.2(MEN1):c.774G>C (p.Gln258His)

Gene: MEN1 (menin 1; minus strand). Cytogenetic location: 11q13.1.
Variant type: single nucleotide variant.
Coding change: c.774G>C on transcript NM_001370259.2 (MANE Select); coding-DNA position 774, G replaced by C.
Protein change: p.Gln258His; replaces glutamine 258 with histidine.
Molecular consequence: missense variant.
Genome position (GRCh38, 1-based): chr11:64,807,561, C>G on the plus strand (G>C on the coding strand, the complement: MEN1 is on the minus strand). VCF-style: chr11-64807561-C-G. GRCh37 (hg19) VCF-style: chr11-64575033-C-G.
Other names: c.669G>C, p.Gln223His (NM_001370262.2, NM_001370263.2); c.774G>C, p.Gln258His (NM_130799.3, NM_001370251.2, NM_001370260.2 and 1 more transcripts); c.789G>C, p.Gln263His (NM_130800.3, NM_130801.3, NM_130802.3 and 3 more transcripts); short protein forms Q258H, Q263H, Q223H.
Identifiers: ClinVar variation 41855 (VCV000041855.31), dbSNP rs374659656, ClinGen allele CA009610.

ClinVar aggregate classification (germline): Conflicting classifications of pathogenicity. Review status: criteria provided, conflicting classifications (1 of 4 stars). 14 submissions from 13 submitters: Uncertain significance (11); Likely benign (2). 1 of the submissions does not count toward it. Last evaluated 2026-01-16.

Conditions:
Hereditary cancer-predisposing syndrome. Also called: Tumor predisposition; Neoplastic Syndromes, Hereditary; Hereditary neoplastic syndrome; Hereditary Cancer Syndrome. Identifiers: Orphanet 140162, MedGen C0027672, MeSH D009386, MONDO:0015356.
Hyperparathyroidism. Identifiers: MedGen C0020502, MONDO:0001741, HP:0000843.
Multiple endocrine neoplasia, type 1 (MEN1). Also called: MEN I; WERMER SYNDROME; Endocrine adenomatosis multiple; MEN 1; MEA I. Identifiers: Orphanet 652, MedGen C0025267, MeSH D018761, MONDO:0007540, OMIM 131100.

Allele frequency attached by ClinVar (database versions not stated): ExAC 0.00002; gnomAD exomes 0.00002; gnomAD 0.00003 and 0.00004; TOPMed 0.00003; ESP Exome Variant Server 0.00008.

Submissions (14):

Labcorp Genetics (formerly Invitae), Labcorp
Classification: Likely benign for Multiple endocrine neoplasia, type 1. Last evaluated: 2026-01-16. Review status: criteria provided, single submitter. Criteria: Invitae Variant Classification Sherloc (09022015). Collection method: clinical testing. Allele origin: germline.

Color Diagnostics, LLC DBA Color Health
Classification: Uncertain significance for Multiple endocrine neoplasia, type 1. Last evaluated: 2025-06-13. Review status: criteria provided, single submitter. Criteria: ACMG Guidelines, 2015. Collection method: clinical testing. Allele origin: germline.
Comment: This missense variant replaces glutamine with histidine at codon 258 of the MEN1 protein. Computational prediction suggests that this variant may have deleterious impact on protein structure and function. To our knowledge, functional studies have not been reported for this variant. This variant has not been reported in individuals affected with hereditary cancer in the literature. This variant has been identified in 6/282604 chromosomes in the general population by the Genome Aggregation Database (gnomAD). The available evidence is insufficient to determine the role of this variant in disease conclusively. Therefore, this variant is classified as a Variant of Uncertain Significance.

Quest Diagnostics Nichols Institute San Juan Capistrano
Classification: Uncertain significance. Last evaluated: 2025-05-15. Review status: criteria provided, single submitter. Criteria: Quest Diagnostics criteria. Collection method: clinical testing. Allele origin: unknown.

Molecular Pathology, Peter Maccallum Cancer Centre
Classification: Uncertain significance for Multiple endocrine neoplasia, type 1. Last evaluated: 2025-01-21. Review status: criteria provided, single submitter. Criteria: ACMG Guidelines, 2015. Collection method: clinical testing. Allele origin: germline. Inheritance: Autosomal dominant inheritance.

Women's Health and Genetics/Laboratory Corporation of America, LabCorp
Classification: Uncertain significance. Last evaluated: 2024-07-15. Review status: criteria provided, single submitter. Criteria: LabCorp Variant Classification Summary - May 2015. Collection method: clinical testing. Allele origin: germline.
Comment: Variant summary: MEN1 c.774G>C (p.Gln258His) results in a non-conservative amino acid change in the encoded protein sequence. Four of five in-silico tools predict a damaging effect of the variant on protein function. The variant allele was found at a frequency of 1.6e-05 in 251196 control chromosomes. The available data on variant occurrences in the general population are insufficient to allow any conclusion about variant significance. To our knowledge, no occurrence of c.774G>C in individuals affected with Multiple Endocrine Neoplasia Type 1 and no experimental evidence demonstrating its impact on protein function have been reported. ClinVar contains an entry for this variant (Variation ID: 41855). Based on the evidence outlined above, the variant was classified as uncertain significance.

Ambry Genetics
Classification: Uncertain significance for Hereditary cancer-predisposing syndrome. Last evaluated: 2024-06-18. Review status: criteria provided, single submitter. Criteria: Ambry Variant Classification Scheme 2023. Collection method: clinical testing. Allele origin: germline.
Comment: The p.Q258H variant (also known as c.774G>C), located in coding exon 3 of the MEN1 gene, results from a G to C substitution at nucleotide position 774. The glutamine at codon 258 is replaced by histidine, an amino acid with highly similar properties. This variant was identified as a secondary or incidental finding in 1/572 individuals having exome sequencing (Johnston JJ et al. Am. J. Hum. Genet. 2012 Jul; 91(1):97-108). This variant was also reported in 0/60,466 breast cancer cases and in 2/53,461 controls (Dorling et al. N Engl J Med 2021 02;384:428-439). This amino acid position is well conserved in available vertebrate species. In addition, the in silico prediction for this alteration is inconclusive. Based on the available evidence, the clinical significance of this variant remains unclear.

All of Us Research Program, National Institutes of Health
Classification: Uncertain significance for Multiple endocrine neoplasia, type 1. Last evaluated: 2024-05-24. Review status: criteria provided, single submitter. Criteria: ACMG Guidelines, 2015. Collection method: clinical testing. Allele origin: germline. Inheritance: Autosomal dominant inheritance. Observed: 18 variant alleles, 18 heterozygotes.
Comment: This missense variant replaces glutamine with histidine at codon 258 of the MEN1 protein. Computational prediction suggests that this variant may have deleterious impact on protein structure and function (internally defined REVEL score threshold >= 0.7, PMID: 27666373). To our knowledge, functional studies have not been reported for this variant. This variant has not been reported in individuals affected with hereditary cancer in the literature. This variant has been identified in 6/282604 chromosomes in the general population by the Genome Aggregation Database (gnomAD). The available evidence is insufficient to determine the role of this variant in disease conclusively. Therefore, this variant is classified as a Variant of Uncertain Significance.

This study involves interpretation of variants in research participants for the purpose of population health screening. Participant phenotype was not available at the time of variant classification. Additional details can be found in publication PMID: 35346344, PMCID: PMC8962531

Fulgent Genetics
Classification: Uncertain significance for Multiple endocrine neoplasia, type 1. Last evaluated: 2024-03-28. Review status: criteria provided, single submitter. Criteria: ACMG Guidelines, 2015. Collection method: clinical testing. Allele origin: germline.

Baylor Genetics
Classification: Uncertain significance for Multiple Endocrine Neoplasia Type 1. Last evaluated: 2023-12-18. Review status: criteria provided, single submitter. Criteria: ACMG Guidelines, 2015. Collection method: clinical testing. Allele origin: unknown.

Sema4
Classification: Uncertain significance for Hereditary cancer-predisposing syndrome. Last evaluated: 2021-12-09. Review status: criteria provided, single submitter. Criteria: Sema4 Curation Guidelines. Collection method: curation. Allele origin: germline.
Comment: The MEN1 c.774G>C (p.Q258H) variant has been reported in heterozygosity in at least 1 individual with advanced cancer (PMID: 28873162), however it was also reported in controls (PMID: 33471991). This variant was observed in 3/10360 chromosomes in the Ashkenazi Jewish population, according to the Genome Aggregation Database (PMID: 32461654). This variant has been reported in ClinVar (Variation ID: 41855). In silico tools suggest the impact of the variant on protein function is deleterious, though these predictions have not been confirmed by functional studies. The evidence is insufficient to meet ACMG/AMP criteria for classifying the variant as benign or pathogenic. Thus, the clinical significance of this variant is currently uncertain.

Illumina Laboratory Services, Illumina
Classification: Likely benign for Multiple endocrine neoplasia, type 1. Last evaluated: 2018-01-12. Review status: criteria provided, single submitter. Criteria: ICSL Variant Classification Criteria 13 December 2019. Collection method: clinical testing. Allele origin: germline.
Comment: This variant was observed in the ICSL laboratory as part of a predisposition screen in an ostensibly healthy population. It had not been previously curated by ICSL or reported in the Human Gene Mutation Database (HGMD: prior to June 1st, 2018), and was therefore a candidate for classification through an automated scoring system. Utilizing variant allele frequency, disease prevalence and penetrance estimates, and inheritance mode, an automated score was calculated to assess if this variant is too frequent to cause the disease. Based on the score and internal cut-off values, a variant classified as likely benign is not then subjected to further curation. The score for this variant resulted in a classification of likely benign for this disease.

Illumina Laboratory Services, Illumina
Classification: Uncertain significance for Hyperparathyroidism. Last evaluated: 2018-01-12. Review status: criteria provided, single submitter. Criteria: ICSL Variant Classification Criteria 13 December 2019. Collection method: clinical testing. Allele origin: germline.

GeneDx
Classification: Uncertain significance. Last evaluated: 2016-12-09. Review status: criteria provided, single submitter. Criteria: GeneDx Variant Classification (06012015). Collection method: clinical testing. Allele origin: germline. Affected: yes.
Comment: This variant is denoted MEN1 c.774G>C at the cDNA level, p.Gln258His (Q258H) at the protein level, and results in the change of a Glutamine to a Histidine (CAG>CAC). This variant was observed in 1/572 individuals with atherosclerosis, with no specific information about cancer history (Johnston 2012). MEN1 Gln258His was not observed at a significant allele frequency in the NHLBI Exome Sequencing Project. Since Glutamine and Histidine differ in some properties, this is considered a semi-conservative amino acid substitution. MEN1 Gln258His occurs at a position that is conserved across species and is located in the region of interaction with FANCD2 (UniProt). In silico analyses are inconsistent regarding the effect this variant may have on protein structure and function. Based on currently available evidence, it is unclear whether MEN1 Gln258His is a pathogenic or benign variant. We consider it to be a variant of uncertain significance.

Biesecker Lab/Clinical Genomics Section, National Institutes of Health
Classification: Uncertain significance. Last evaluated: 2012-07-13. Review status: no assertion criteria provided. Collection method: research. Allele origin: germline. Affected: no. Observed: 1 variant allele. Study: ClinSeq. Not counted in ClinVar's aggregate classification.
ClinVar note: Converted during submission from variant of unknown significance to Uncertain significance.

Literature cited by the submitters: PubMed 33471991 (cited by Ambry Genetics and Sema4); PubMed 28873162 (cited by Sema4).